The following is an entry in ClinVar:

NM_130837.3(OPA1):c.191C>T (p.Ser64Phe)

Gene: OPA1 (OPA1 mitochondrial dynamin like GTPase; plus strand). Cytogenetic location: 3q29.
Variant type: single nucleotide variant.
Coding change: c.191C>T on transcript NM_130837.3 (MANE Select); coding-DNA position 191, C replaced by T.
Protein change: p.Ser64Phe; replaces serine 64 with phenylalanine.
Molecular consequence: missense variant. On other transcripts: 5 prime UTR variant (2).
Genome position (GRCh38, 1-based): chr3:193,614,881, C>T. VCF-style: chr3-193614881-C-T. GRCh37 (hg19) VCF-style: chr3-193332670-C-T.
Other names: c.-182C>T (NM_001354663.2, NM_001354664.2); c.191C>T, p.Ser64Phe (NM_015560.3, NM_130831.3, NM_130832.3 and 4 more transcripts); short protein forms S64F.
Identifiers: ClinVar variation 2800976 (VCV002800976.3), dbSNP rs1333436619, ClinGen allele CA355786698.
Genomic context (GRCh38, chr3:193,614,881, plus strand): 5'-ATCATCCTACCTTAAAGCTTCAACGACCCCAATTAAGGACATCCTTTCAGCAGTTCTCTT[C>T]TCTGACAAACCTTCCTTTACGTAAACTGAAATTCTCTCCAATTAAATATGGCTACCAGCC-3'
Protein context (NP_570850.2, residues 54-74): QLRTSFQQFS[Ser64Phe]LTNLPLRKLK

ClinVar aggregate classification (germline): Uncertain significance (1 of 4 stars; one submission).

gnomAD v4.1: 2 of 1,614,120 alleles (0.00012%); highest among the groups gnomAD compares: Admixed American, 0.0033%; no homozygotes.

Submission:

Labcorp Genetics (formerly Invitae), Labcorp
Classification: Uncertain significance. Last evaluated: 2022-12-21. Review status: criteria provided, single submitter. Criteria: Invitae Variant Classification Sherloc (09022015). Collection method: clinical testing. Allele origin: germline.
Comment: This sequence change replaces serine, which is neutral and polar, with phenylalanine, which is neutral and non-polar, at codon 64 of the OPA1 protein (p.Ser64Phe). This variant is present in population databases (no rsID available, gnomAD 0.006%). This variant has not been reported in the literature in individuals affected with OPA1-related conditions. Algorithms developed to predict the effect of missense changes on protein structure and function (SIFT, PolyPhen-2, Align-GVGD) all suggest that this variant is likely to be disruptive. In summary, the available evidence is currently insufficient to determine the role of this variant in disease. Therefore, it has been classified as a Variant of Uncertain Significance.